The following is an entry in ClinVar:

NM_032043.3(BRIP1):c.270C>T (p.Cys90=)

Gene: BRIP1 (BRCA1 interacting DNA helicase 1; minus strand). Cytogenetic location: 17q23.2.
Variant type: single nucleotide variant.
Coding change: c.270C>T on transcript NM_032043.3 (MANE Select); coding-DNA position 270, C replaced by T.
Protein change: p.Cys90=; no amino-acid change (cysteine 90 retained).
Molecular consequence: synonymous variant.
Genome position (GRCh38, 1-based): chr17:61,857,167, G>A on the plus strand (C>T on the coding strand, the complement: BRIP1 is on the minus strand). VCF-style: chr17-61857167-G-A. GRCh37 (hg19) VCF-style: chr17-59934528-G-A.
Other names: c.270C>T (NM_032043.2).
Identifiers: ClinVar variation 1132546 (VCV001132546.11), dbSNP rs1060501740, ClinGen allele CA501151409.

ClinVar aggregate classification (germline): Conflicting classifications of pathogenicity. Review status: criteria provided, conflicting classifications (1 of 4 stars). 2 submissions from 2 submitters: Uncertain significance (1); Likely benign (1). Last evaluated 2025-07-29.

Conditions:
Familial cancer of breast. Also called: Hereditary breast cancer; BREAST CANCER, FAMILIAL; hereditary breast carcinoma. Identifiers: Orphanet 227535, MedGen C0346153, MONDO:0016419, OMIM 114480. Disease mechanism: loss of function.
Fanconi anemia complementation group J. Also called: BRIP1-Related Fanconi Anemia. Identifiers: Orphanet 84, MedGen C1836860, MONDO:0012187, OMIM 609054.
Hereditary cancer-predisposing syndrome. Also called: Neoplastic Syndromes, Hereditary; Hereditary neoplastic syndrome; Tumor predisposition; Hereditary Cancer Syndrome. Identifiers: Orphanet 140162, MedGen C0027672, MeSH D009386, MONDO:0015356.

Submissions (2):

Labcorp Genetics (formerly Invitae), Labcorp
Classification: Likely benign for Familial cancer of breast; Fanconi anemia complementation group J. Last evaluated: 2025-07-29. Review status: criteria provided, single submitter. Criteria: Invitae Variant Classification Sherloc (09022015). Collection method: clinical testing. Allele origin: germline.

Ambry Genetics
Classification: Uncertain significance for Hereditary cancer-predisposing syndrome. Last evaluated: 2025-06-18. Review status: criteria provided, single submitter. Criteria: Ambry Variant Classification Scheme 2023. Collection method: clinical testing. Allele origin: germline.
Comment: The c.270C>T variant (also known as p.C90C), located in coding exon 3 of the BRIP1 gene, results from a C to T substitution at nucleotide position 270. This nucleotide substitution does not change the cysteine at codon 90. This nucleotide position is highly conserved in available vertebrate species. In silico splice site analysis predicts that this alteration may result in the creation or strengthening of a novel splice acceptor site. Based on the available evidence, the clinical significance of this variant remains unclear.